The following is an entry in ClinVar:

NM_001351132.2(PEX5):c.1866_1868del (p.Ala623del)

Gene: PEX5 (peroxisomal biogenesis factor 5; plus strand). Cytogenetic location: 12p13.31.
Variant type: Deletion.
Coding change: c.1866_1868del on transcript NM_001351132.2 (MANE Select); coding-DNA positions 1866 to 1868, 3 bases deleted (AGC; older notation c.1866_1868delAGC).
Protein change: p.Ala623del; deletes alanine 623.
Molecular consequence: inframe deletion.
Genome position (GRCh38, 1-based): chr12:7,210,169-7,210,171, AGC deleted; deleting any 3 consecutive bases within chr12:7,210,167-7,210,171 gives the same sequence; the c. name uses the placement nearest the transcript's 3' end. VCF-style (leftmost placement, unchanged base first): chr12-7210166-GGCA-G. GRCh37 (hg19) VCF-style: chr12-7362762-GGCA-G.
Other names: c.1866_1868del, p.Ala623del (NM_001351133.2, NM_001351134.2, NM_001131025.2 and 4 more transcripts); c.1800_1802del, p.Ala601del (NM_001351135.3, NM_001351138.2); c.1857_1859del, p.Ala620del (NM_001351136.2); c.1755_1757del, p.Ala586del (NM_001351137.3, NM_001374645.1, NM_001374646.1 and 7 more transcripts); c.1731_1733del, p.Ala578del (NM_001351139.2, NM_001351140.2, NM_001374649.2); c.1842_1844del, p.Ala615del (NM_000319.5); c.1911_1913del, p.Ala638del (NM_001131023.2); short protein forms A638del, A586del, A601del, A623del, A578del, A615del, A620del.
Identifiers: ClinVar variation 2014868 (VCV002014868.4), dbSNP rs2540341639, ClinGen allele CA2580086304.

ClinVar aggregate classification (germline): Uncertain significance (1 of 4 stars; one submission).

Conditions:
Peroxisome biogenesis disorder 2B (PBD2B). Identifiers: Orphanet 44, MedGen C3550234, MONDO:0008736, OMIM 202370.

Submission:

Labcorp Genetics (formerly Invitae), Labcorp
Classification: Uncertain significance for Peroxisome biogenesis disorder 2B. Last evaluated: 2022-07-07. Review status: criteria provided, single submitter. Criteria: Invitae Variant Classification Sherloc (09022015). Collection method: clinical testing. Allele origin: germline.
Comment: In summary, the available evidence is currently insufficient to determine the role of this variant in disease. Therefore, it has been classified as a Variant of Uncertain Significance. Experimental studies and prediction algorithms are not available or were not evaluated, and the functional significance of this variant is currently unknown. This variant has not been reported in the literature in individuals affected with PEX5-related conditions. This variant is not present in population databases (gnomAD no frequency). This variant, c.1866_1868del, results in the deletion of 1 amino acid(s) of the PEX5 protein (p.Ala623del), but otherwise preserves the integrity of the reading frame.